The following is an entry in ClinVar:

NM_016616.5(NME8):c.172G>A (p.Glu58Lys)

Gene: NME8 (NME/NM23 family member 8; plus strand). Cytogenetic location: 7p14.1.
Variant type: single nucleotide variant.
Coding change: c.172G>A on transcript NM_016616.5 (MANE Select); coding-DNA position 172, G replaced by A.
Protein change: p.Glu58Lys; replaces glutamic acid 58 with lysine.
Molecular consequence: missense variant.
Genome position (GRCh38, 1-based): chr7:37,850,709, G>A. VCF-style: chr7-37850709-G-A. GRCh37 (hg19) VCF-style: chr7-37890311-G-A.
Other names: short protein forms E58K.
Identifiers: ClinVar variation 1445830 (VCV001445830.11), dbSNP rs369542497, ClinGen allele CA4222077.

ClinVar aggregate classification (germline): Uncertain significance. Review status: criteria provided, multiple submitters, no conflicts (2 of 4 stars). 2 submissions from 2 submitters: Uncertain significance (2). Last evaluated 2025-04-28.

Conditions:
Primary ciliary dyskinesia 6. Also called: Primary Ciliary Dyskinesia 6: TXNDC3-Related Primary Ciliary Dyskinesia. Identifiers: Orphanet 244, MedGen C1970506, MONDO:0012571, OMIM 610852.
Primary ciliary dyskinesia. Also called: Ciliary dyskinesia. Identifiers: Orphanet 244, MedGen C0008780, MONDO:0016575, HP:0012265.

Allele frequency attached by ClinVar (database versions not stated): ExAC 0.00003; gnomAD exomes 0.00004 and 0.00008; gnomAD 0.00005 and 0.00006; TOPMed 0.00006; ESP Exome Variant Server 0.00008.
gnomAD v4.1: 134 of 1,613,172 alleles (0.0083%); highest among the groups gnomAD compares: Non-Finnish European, 0.01%; no homozygotes.

Submissions (2):

Labcorp Genetics (formerly Invitae), Labcorp
Classification: Uncertain significance for Primary ciliary dyskinesia 6. Last evaluated: 2025-04-28. Review status: criteria provided, single submitter. Criteria: Invitae Variant Classification Sherloc (09022015). Collection method: clinical testing. Allele origin: germline.
Comment: This sequence change replaces glutamic acid, which is acidic and polar, with lysine, which is basic and polar, at codon 58 of the NME8 protein (p.Glu58Lys). This variant is present in population databases (rs369542497, gnomAD 0.008%). This variant has not been reported in the literature in individuals affected with NME8-related conditions. ClinVar contains an entry for this variant (Variation ID: 1445830). Invitae Evidence Modeling of protein sequence and biophysical properties (such as structural, functional, and spatial information, amino acid conservation, physicochemical variation, residue mobility, and thermodynamic stability) indicates that this missense variant is expected to disrupt NME8 protein function with a positive predictive value of 80%. In summary, the available evidence is currently insufficient to determine the role of this variant in disease. Therefore, it has been classified as a Variant of Uncertain Significance.

Ambry Genetics
Classification: Uncertain significance for Primary ciliary dyskinesia. Last evaluated: 2025-03-22. Review status: criteria provided, single submitter. Criteria: Ambry Variant Classification Scheme 2023. Collection method: clinical testing. Allele origin: germline.